The following is an entry in ClinVar:

NM_178138.6(LHX3):c.1079T>C (p.Val360Ala)

Gene: LHX3 (LIM homeobox 3; minus strand). Cytogenetic location: 9q34.3.
Variant type: single nucleotide variant.
Coding change: c.1079T>C on transcript NM_178138.6 (MANE Select); coding-DNA position 1079, T replaced by C.
Protein change: p.Val360Ala; replaces valine 360 with alanine.
Molecular consequence: missense variant.
Genome position (GRCh38, 1-based): chr9:136,197,440, A>G on the plus strand (T>C on the coding strand, the complement: LHX3 is on the minus strand). VCF-style: chr9-136197440-A-G. GRCh37 (hg19) VCF-style: chr9-139089286-A-G.
Other names: c.1046T>C, p.Val349Ala (NM_001363746.1); c.1094T>C, p.Val365Ala (NM_014564.5); c.1094T>C (NM_014564.4); short protein forms V349A, V360A, V365A.
Identifiers: ClinVar variation 2221417 (VCV002221417.3), dbSNP rs370781523, ClinGen allele CA5330263.

ClinVar aggregate classification (germline): Uncertain significance. Review status: criteria provided, multiple submitters, no conflicts (2 of 4 stars). 2 submissions from 2 submitters: Uncertain significance (2). Last evaluated 2025-07-30.

Conditions:
LHX3-related disorder. Also called: LHX3-related condition.
Inborn genetic diseases. Identifiers: MedGen C0950123, MeSH D030342.

Allele frequency attached by ClinVar (database versions not stated): ExAC 0.00002.
gnomAD v4.1: 26 of 1,590,306 alleles (0.0016%); highest among the groups gnomAD compares: African/African-American, 0.024%; no homozygotes.

Submissions (2):

PreventionGenetics, part of Exact Sciences
Classification: Uncertain significance for LHX3-related condition. Last evaluated: 2025-07-30. Review status: criteria provided, single submitter. Criteria: ACMG Guidelines, 2015. Collection method: clinical testing. Allele origin: germline.
Comment: The LHX3 c.1094T>C variant is predicted to result in the amino acid substitution p.Val365Ala. To our knowledge, this variant has not been reported in the literature. This variant is reported in 0.021% of alleles in individuals of African descent in gnomAD. At this time, the clinical significance of this variant is uncertain due to the absence of conclusive functional and genetic evidence.

Ambry Genetics
Classification: Uncertain significance for Inborn genetic diseases. Last evaluated: 2021-06-03. Review status: criteria provided, single submitter. Criteria: Ambry Variant Classification Scheme 2023. Collection method: clinical testing. Allele origin: germline.